The following is an entry in ClinVar:

ClinVar aggregate classification (germline): Uncertain significance (1 of 4 stars; one submission).

Allele frequency attached by ClinVar (database versions not stated): ExAC 0.00001; gnomAD exomes 0.00001; gnomAD 0.00002; TOPMed 0.00002.
gnomAD v4.1: 6 of 1,613,146 alleles (0.00037%); highest among the groups gnomAD compares: Non-Finnish European, 0.00051%; no homozygotes.

Submission:

Labcorp Genetics (formerly Invitae), Labcorp
Classification: Uncertain significance. Last evaluated: 2022-06-26. Review status: criteria provided, single submitter. Criteria: Invitae Variant Classification Sherloc (09022015). Collection method: clinical testing. Allele origin: germline.
Comment: In summary, the available evidence is currently insufficient to determine the role of this variant in disease. Therefore, it has been classified as a Variant of Uncertain Significance. Algorithms developed to predict the effect of sequence changes on RNA splicing suggest that this variant may create or strengthen a splice site. Algorithms developed to predict the effect of missense changes on protein structure and function (SIFT, PolyPhen-2, Align-GVGD) all suggest that this variant is likely to be disruptive. This variant has not been reported in the literature in individuals affected with HMCN1-related conditions. This variant is present in population databases (rs759532778, gnomAD 0.004%). This sequence change replaces glutamic acid, which is acidic and polar, with lysine, which is basic and polar, at codon 2987 of the HMCN1 protein (p.Glu2987Lys).

NM_031935.3(HMCN1):c.8959G>A (p.Glu2987Lys)

Gene: HMCN1 (hemicentin 1; plus strand). Cytogenetic location: 1q31.1.
Variant type: single nucleotide variant.
Coding change: c.8959G>A on transcript NM_031935.3 (MANE Select); coding-DNA position 8959, G replaced by A.
Protein change: p.Glu2987Lys; replaces glutamic acid 2987 with lysine.
Molecular consequence: missense variant.
Genome position (GRCh38, 1-based): chr1:186,086,320, G>A. VCF-style: chr1-186086320-G-A. GRCh37 (hg19) VCF-style: chr1-186055452-G-A.
Other names: short protein forms E2987K.
Identifiers: ClinVar variation 1895573 (VCV001895573.5), dbSNP rs759532778, ClinGen allele CA1293275.